The following is an entry in ClinVar:

ClinVar aggregate classification (germline): Uncertain significance (1 of 4 stars; one submission).

Conditions:
Fanconi anemia (FA). Also called: Fanconi's anemia. Identifiers: Orphanet 84, MedGen C0015625, MeSH D005199, MONDO:0019391.

Submission:

Labcorp Genetics (formerly Invitae), Labcorp
Classification: Uncertain significance for Fanconi anemia. Last evaluated: 2025-02-06. Review status: criteria provided, single submitter. Criteria: Invitae Variant Classification Sherloc (09022015). Collection method: clinical testing. Allele origin: germline.
Comment: This sequence change replaces lysine, which is basic and polar, with threonine, which is neutral and polar, at codon 324 of the SLX4 protein (p.Lys324Thr). This variant is not present in population databases (gnomAD no frequency). This variant has not been reported in the literature in individuals affected with SLX4-related conditions. An algorithm developed to predict the effect of missense changes on protein structure and function (PolyPhen-2) suggests that this variant is likely to be disruptive. In summary, the available evidence is currently insufficient to determine the role of this variant in disease. Therefore, it has been classified as a Variant of Uncertain Significance.

NM_032444.4(SLX4):c.971A>C (p.Lys324Thr)

Gene: SLX4 (SLX4 structure-specific endonuclease subunit; minus strand). Cytogenetic location: 16p13.3.
Variant type: single nucleotide variant.
Coding change: c.971A>C on transcript NM_032444.4 (MANE Select); coding-DNA position 971, A replaced by C.
Protein change: p.Lys324Thr; replaces lysine 324 with threonine.
Molecular consequence: missense variant.
Genome position (GRCh38, 1-based): chr16:3,601,171, T>G on the plus strand (A>C on the coding strand, the complement: SLX4 is on the minus strand). VCF-style: chr16-3601171-T-G. GRCh37 (hg19) VCF-style: chr16-3651172-T-G.
Other names: short protein forms K324T.
Identifiers: ClinVar variation 4749374 (VCV004749374.1).